The following is an entry in ClinVar:

ClinVar aggregate classification (germline): Uncertain significance (1 of 4 stars; one submission).

Conditions:
EP300-related disorder. Also called: EP300-related condition; EP300-related disorders.

Submission:

PreventionGenetics, part of Exact Sciences
Classification: Uncertain significance for EP300-related condition. Last evaluated: 2026-08-14. Review status: criteria provided, single submitter. Criteria: ACMG Guidelines, 2015. Collection method: clinical testing. Allele origin: germline.
Comment: The EP300 c.5868G>T variant is predicted to result in the amino acid substitution p.Met1956Ile. To our knowledge, this variant has not been reported in the literature. This variant is reported in 0.00088% of alleles in individuals of European (Non-Finnish) descent in gnomAD. At this time, the clinical significance of this variant is uncertain due to the absence of conclusive functional and genetic evidence.

NM_001429.4(EP300):c.5868G>T (p.Met1956Ile)

Gene: EP300 (EP300 lysine acetyltransferase; plus strand). Cytogenetic location: 22q13.2.
Variant type: single nucleotide variant.
Coding change: c.5868G>T on transcript NM_001429.4 (MANE Select); coding-DNA position 5868, G replaced by T.
Protein change: p.Met1956Ile; replaces methionine 1956 with isoleucine.
Molecular consequence: missense variant.
Genome position (GRCh38, 1-based): chr22:41,177,579, G>T. VCF-style: chr22-41177579-G-T. GRCh37 (hg19) VCF-style: chr22-41573583-G-T.
Other names: c.5790G>T, p.Met1930Ile (NM_001362843.2); short protein forms M1930I, M1956I.
Identifiers: ClinVar variation 4978402 (VCV004978402.1).